The following is an entry in ClinVar:

NM_001349253.2(SCN11A):c.173C>A (p.Ala58Asp)

Gene: SCN11A (sodium voltage-gated channel alpha subunit 11; minus strand). Cytogenetic location: 3p22.2.
Variant type: single nucleotide variant.
Coding change: c.173C>A on transcript NM_001349253.2 (MANE Select); coding-DNA position 173, C replaced by A.
Protein change: p.Ala58Asp; replaces alanine 58 with aspartic acid.
Molecular consequence: missense variant.
Genome position (GRCh38, 1-based): chr3:38,950,190, G>T on the plus strand (C>A on the coding strand, the complement: SCN11A is on the minus strand). VCF-style: chr3-38950190-G-T. GRCh37 (hg19) VCF-style: chr3-38991681-G-T.
Other names: c.173C>A, p.Ala58Asp (NM_014139.3); short protein forms A58D.
Identifiers: ClinVar variation 1504924 (VCV001504924.8), dbSNP rs766612002, ClinGen allele CA352176651.
Genomic context (GRCh38, chr3:38,950,190, plus strand): 5'-AGAGGCTTTCCTATGAGCTCACGAGGAATGTCGCCATAGAGCTTGGGCAACTTCCTGGAG[G>T]CCTTTAGGTCAAGCTGAGGCCGAGGCTGGGGTACTTCTCCTGTCTGGTCTTTAGACTTCT-3'
Protein context (NP_001336182.1, residues 48-68): PQPRPQLDLK[Ala58Asp]SRKLPKLYGD

ClinVar aggregate classification (germline): Uncertain significance (1 of 4 stars; one submission).

Conditions:
Hereditary sensory and autonomic neuropathy type 7. Also called: Neuropathy, hereditary sensory and autonomic, type VII; HSAN VII. Identifiers: Orphanet 391397, MedGen C3809882, MONDO:0014244, OMIM 615548.
Familial episodic pain syndrome with predominantly lower limb involvement. Also called: Episodic pain syndrome, familial, 3. Identifiers: Orphanet 391384, Orphanet 391392, MedGen C3809899, MONDO:0014247, OMIM 615552.

Allele frequency attached by ClinVar (database versions not stated): gnomAD 0.00001; TOPMed 0.00001.
gnomAD v4.1: 5 of 1,613,614 alleles (0.00031%); highest among the groups gnomAD compares: Non-Finnish European, 0.00042%; no homozygotes.

Submission:

Labcorp Genetics (formerly Invitae), Labcorp
Classification: Uncertain significance for Familial episodic pain syndrome with predominantly lower limb involvement; Hereditary sensory and autonomic neuropathy type 7. Last evaluated: 2024-02-03. Review status: criteria provided, single submitter. Criteria: Invitae Variant Classification Sherloc (09022015). Collection method: clinical testing. Allele origin: germline.
Comment: This sequence change replaces alanine, which is neutral and non-polar, with aspartic acid, which is acidic and polar, at codon 58 of the SCN11A protein (p.Ala58Asp). This variant is not present in population databases (gnomAD no frequency). This variant has not been reported in the literature in individuals affected with SCN11A-related conditions. ClinVar contains an entry for this variant (Variation ID: 1504924). Advanced modeling of protein sequence and biophysical properties (such as structural, functional, and spatial information, amino acid conservation, physicochemical variation, residue mobility, and thermodynamic stability) performed at Invitae indicates that this missense variant is not expected to disrupt SCN11A protein function with a negative predictive value of 80%. In summary, the available evidence is currently insufficient to determine the role of this variant in disease. Therefore, it has been classified as a Variant of Uncertain Significance.